The following is an entry in ClinVar:

NM_001943.5(DSG2):c.1327G>A (p.Val443Ile)

Gene: DSG2 (desmoglein 2; plus strand). Cytogenetic location: 18q12.1.
Variant type: single nucleotide variant.
Coding change: c.1327G>A on transcript NM_001943.5 (MANE Select); coding-DNA position 1327, G replaced by A.
Protein change: p.Val443Ile; replaces valine 443 with isoleucine.
Molecular consequence: missense variant.
Genome position (GRCh38, 1-based): chr18:31,535,316, G>A. VCF-style: chr18-31535316-G-A. GRCh37 (hg19) VCF-style: chr18-29115279-G-A.
Other names: short protein forms V443I.
Identifiers: ClinVar variation 3505428 (VCV003505428.1).

ClinVar aggregate classification (germline): Uncertain significance (1 of 4 stars; one submission).

Conditions:
Cardiovascular phenotype. Identifiers: MedGen CN230736.

Submission:

Ambry Genetics
Classification: Uncertain significance for Cardiovascular phenotype. Last evaluated: 2024-11-10. Review status: criteria provided, single submitter. Criteria: Ambry Variant Classification Scheme 2023. Collection method: clinical testing. Allele origin: germline.
Comment: The p.V443I variant (also known as c.1327G>A), located in coding exon 10 of the DSG2 gene, results from a G to A substitution at nucleotide position 1327. The valine at codon 443 is replaced by isoleucine, an amino acid with highly similar properties. This amino acid position is conserved. In addition, this alteration is predicted to be tolerated by in silico analysis. Based on the available evidence, the clinical significance of this variant remains unclear.